The following is an entry in ClinVar:

ClinVar aggregate classification (germline): Likely benign (1 of 4 stars; one submission).

Allele frequency attached by ClinVar (database versions not stated): gnomAD exomes 0.00068; gnomAD 0.00636 and 0.00678; 1000 Genomes Project 0.00639; 1000 Genomes Project 30x 0.00640; TOPMed 0.00724.
gnomAD v4.1: 1,971 of 1,590,232 alleles (0.12%); highest among the groups gnomAD compares: African/African-American, 2.2%; 16 homozygotes.

Submission:

GeneDx
Classification: Likely benign. Last evaluated: 2018-06-17. Review status: criteria provided, single submitter. Criteria: GeneDx Variant Classification (06012015). Collection method: clinical testing. Allele origin: germline. Affected: yes.
Comment: This variant is considered likely benign or benign based on one or more of the following criteria: it is a conservative change, it occurs at a poorly conserved position in the protein, it is predicted to be benign by multiple in silico algorithms, and/or has population frequency not consistent with disease.

NM_153717.3(EVC):c.2305-58G>A

Gene: EVC (EvC ciliary complex subunit 1; plus strand). Cytogenetic location: 4p16.2.
Variant type: single nucleotide variant.
Coding change: c.2305-58G>A on transcript NM_153717.3 (MANE Select); 58 bases into the intron before coding-DNA position 2305, G replaced by A.
Molecular consequence: intron variant.
Genome position (GRCh38, 1-based): chr4:5,801,892, G>A. VCF-style: chr4-5801892-G-A. GRCh37 (hg19) VCF-style: chr4-5803619-G-A.
Other names: c.2305-58G>A (NM_001306090.2).
Identifiers: ClinVar variation 676599 (VCV000676599.1), dbSNP rs115678357, ClinGen allele CA91720447.